The following is an entry in ClinVar:

ClinVar aggregate classification (germline): Uncertain significance. Review status: criteria provided, multiple submitters, no conflicts (2 of 4 stars). 2 submissions from 2 submitters: Uncertain significance (2). Last evaluated 2022-06-13.

Conditions:
Primary erythromelalgia. Also called: SCN9A Erythromelalgia (SCN9A-EM); primary erythermalgia. Identifiers: Orphanet 306577, Orphanet 90026, MedGen C0014805, MONDO:0007571, OMIM 133020.
Neuropathy, hereditary sensory and autonomic, type 2A (HSAN2A). Also called: ACROOSTEOLYSIS, GIACCAI TYPE; ACROOSTEOLYSIS, NEUROGENIC; MORVAN DISEASE; NEUROPATHY, CONGENITAL SENSORY; NEUROPATHY, HEREDITARY SENSORY RADICULAR, AUTOSOMAL RECESSIVE; NEUROPATHY, HEREDITARY SENSORY, TYPE IIA. Identifiers: Orphanet 970, MedGen C2752089, MONDO:0024309, OMIM 201300.
Generalized epilepsy with febrile seizures plus, type 7 (GEFSP7). Also called: GEFS+, TYPE 7. Identifiers: Orphanet 36387, MedGen C2751778, MONDO:0013470, OMIM 613863.

Allele frequency attached by ClinVar (database versions not stated): gnomAD exomes below 0.00001; TOPMed below 0.00001; gnomAD 0.00001.
gnomAD v4.1: 2 of 1,611,748 alleles (0.00012%); highest among the groups gnomAD compares: Non-Finnish European, 0.00017%; no homozygotes.

Submissions (2):

Labcorp Genetics (formerly Invitae), Labcorp
Classification: Uncertain significance for Neuropathy, hereditary sensory and autonomic, type 2A; Generalized epilepsy with febrile seizures plus, type 7. Last evaluated: 2022-06-13. Review status: criteria provided, single submitter. Criteria: Invitae Variant Classification Sherloc (09022015). Collection method: clinical testing. Allele origin: germline.
Comment: This sequence change replaces serine, which is neutral and polar, with arginine, which is basic and polar, at codon 469 of the SCN9A protein (p.Ser469Arg). In summary, the available evidence is currently insufficient to determine the role of this variant in disease. Therefore, it has been classified as a Variant of Uncertain Significance. Algorithms developed to predict the effect of missense changes on protein structure and function are either unavailable or do not agree on the potential impact of this missense change (SIFT: "Deleterious"; PolyPhen-2: "Probably Damaging"; Align-GVGD: "Class C15"). This variant has not been reported in the literature in individuals affected with SCN9A-related conditions. This variant is not present in population databases (gnomAD no frequency).

MGZ Medical Genetics Center
Classification: Uncertain significance for Primary erythromelalgia. Last evaluated: 2022-01-21. Review status: criteria provided, single submitter. Criteria: ACMG Guidelines, 2015. Collection method: clinical testing. Allele origin: germline. Affected: yes. Observed: 1 variant allele.
Comment: ACMG criteria applied: PM2_SUP, PP3

NM_001365536.1(SCN9A):c.1407C>A (p.Ser469Arg)

Genes: SCN1A-AS1 (SCN1A and SCN9A antisense RNA 1; plus strand), SCN9A (sodium voltage-gated channel alpha subunit 9; minus strand). Cytogenetic location: 2q24.3.
Variant type: single nucleotide variant.
Coding change: c.1407C>A on transcript NM_001365536.1 (MANE Select); coding-DNA position 1407, C replaced by A.
Protein change: p.Ser469Arg; replaces serine 469 with arginine.
Molecular consequence: missense variant.
Genome position (GRCh38, 1-based): chr2:166,286,531, G>T on the plus strand (C>A on the coding strand, the complement: SCN9A is on the minus strand). VCF-style: chr2-166286531-G-T. GRCh37 (hg19) VCF-style: chr2-167143041-G-T.
Other names: c.1407C>A, p.Ser469Arg (NM_002977.4); short protein forms S469R.
Identifiers: ClinVar variation 1365204 (VCV001365204.10), dbSNP rs1259662704, ClinGen allele CA349084816.
Genomic context (GRCh38, chr2:166,286,531, plus strand): 5'-GGAGAGCTTCTTTTGATTCTTTTTCTTTCTTCTGTTTCTTCTTTCTTTAGCACTTTTAGA[G>T]CTCAGTTTGGATGTTTCAGAAGAACTCTCTGAGAGGCCCATAATTCTGCTTCTCCTAATA-3'
Protein context (NP_001352465.1, residues 459-479): SESSSETSKL[Ser469Arg]SKSAKERRNR